The following is an entry in ClinVar:

NM_020376.4(PNPLA2):c.1414G>A (p.Ala472Thr)

Gene: PNPLA2 (patatin like domain 2, triacylglycerol lipase; plus strand). Cytogenetic location: 11p15.5.
Variant type: single nucleotide variant.
Coding change: c.1414G>A on transcript NM_020376.4 (MANE Select); coding-DNA position 1414, G replaced by A.
Protein change: p.Ala472Thr; replaces alanine 472 with threonine.
Molecular consequence: missense variant.
Genome position (GRCh38, 1-based): chr11:824,761, G>A. VCF-style: chr11-824761-G-A. GRCh37 (hg19) VCF-style: chr11-824761-G-A.
Other names: short protein forms A472T.
Identifiers: ClinVar variation 1002899 (VCV001002899.8), dbSNP rs1845828094, ClinGen allele CA378985547.

ClinVar aggregate classification (germline): Uncertain significance (1 of 4 stars; one submission).

Conditions:
Neutral lipid storage myopathy (NLSDM). Also called: NEUTRAL LIPID STORAGE DISEASE WITHOUT ICHTHYOSIS. Identifiers: Orphanet 98908, MedGen C1853136, MONDO:0012545, OMIM 610717.

gnomAD v4.1: 3 of 1,555,842 alleles (0.00019%); highest among the groups gnomAD compares: Middle Eastern, 0.017%; no homozygotes.

Submission:

Labcorp Genetics (formerly Invitae), Labcorp
Classification: Uncertain significance for Neutral lipid storage myopathy. Last evaluated: 2020-02-17. Review status: criteria provided, single submitter. Criteria: Invitae Variant Classification Sherloc (09022015). Collection method: clinical testing. Allele origin: germline.
Comment: This sequence change replaces alanine with threonine at codon 472 of the PNPLA2 protein (p.Ala472Thr). The alanine residue is weakly conserved and there is a small physicochemical difference between alanine and threonine. The frequency data for this variant in the population databases is considered unreliable, as metrics indicate insufficient coverage at this position in the ExAC database. This variant has not been reported in the literature in individuals with PNPLA2-related conditions. Algorithms developed to predict the effect of missense changes on protein structure and function output the following: SIFT: "Tolerated"; PolyPhen-2: "Benign"; Align-GVGD: "Class C0". The threonine amino acid residue is found in multiple mammalian species, suggesting that this missense change does not adversely affect protein function. These predictions have not been confirmed by published functional studies and their clinical significance is uncertain. In summary, the available evidence is currently insufficient to determine the role of this variant in disease. Therefore, it has been classified as a Variant of Uncertain Significance.